The following is an entry in ClinVar:

ClinVar aggregate classification (germline): Conflicting classifications of pathogenicity. Review status: criteria provided, conflicting classifications (1 of 4 stars). 17 submissions from 17 submitters: Likely pathogenic (1); Uncertain significance (14). 2 of the submissions do not count toward it. Last evaluated 2026-08-12.

Conditions:
ATP7B-related disorder. Also called: ATP7B-related condition.
Wilson disease (WND). Also called: Wilson's disease. Identifiers: Orphanet 905, MedGen C0019202, MONDO:0010200, OMIM 277900. Disease mechanism: loss of function.

Allele frequency attached by ClinVar (database versions not stated): ExAC 0.00004; TOPMed 0.00004; gnomAD exomes 0.00006; gnomAD 0.00010 and 0.00011.
gnomAD v4.1: 95 of 1,613,938 alleles (0.0059%); highest among the groups gnomAD compares: Non-Finnish European, 0.0079%; no homozygotes.

Submissions (17):

GeneDx
Classification: Uncertain significance. Last evaluated: 2026-08-12. Review status: criteria provided, single submitter. Criteria: GeneDx Variant Classification Process June 2021. Collection method: clinical testing. Allele origin: germline.
Comment: Published functional studies performed on patient fibroblast cells found this variant did not significantly impair copper transport activity (PMID: 24706876); In silico analysis supports that this missense variant has a deleterious effect on protein structure/function; This variant is associated with the following publications: (PMID: 30556376, 18371106, 30032850, 16283883, 29564470, 30230192, 24706876, 40661833, 39502306)

Myriad Genetics, Inc.
Classification: Likely pathogenic for Wilson disease. Last evaluated: 2026-07-06. Review status: criteria provided, single submitter. Criteria: Myriad Autosomal Dominant, Autosomal Recessive and X-Linked Classification Criteria (2023). Collection method: clinical testing. Allele origin: unknown.
Comment: NM_000053.3(ATP7B):c.1915C>T(H639Y) is a missense variant classified as likely pathogenic in the context of Wilson disease. H639Y has been observed in cases with relevant disease (PMID: 30232804, 30230192 and Kuczyne_2008_(Dissertation)). Relevant functional assessments of this variant are not available in the literature. H639Y has been observed in referenced population frequency databases. In summary, NM_000053.3(ATP7B):c.1915C>T(H639Y) is a missense variant that has been observed more frequently in cases with the relevant disease than in healthy populations. Please note: this variant was assessed in the context of healthy population screening.

CeGaT Center for Human Genetics Tuebingen
Classification: Uncertain significance. Last evaluated: 2026-07-01. Review status: criteria provided, single submitter. Criteria: CeGaT Center For Human Genetics Tuebingen Variant Classification Criteria Version 2. Collection method: clinical testing. Allele origin: germline. Affected: yes. Observed: 3 variant alleles.
Comment: ATP7B: PM2, PP4:Moderate, PM3:Supporting

Color Diagnostics, LLC DBA Color Health
Classification: Uncertain significance for Wilson disease. Last evaluated: 2025-06-05. Review status: criteria provided, single submitter. Criteria: ACMG Guidelines, 2015. Collection method: clinical testing. Allele origin: germline.
Comment: This missense variant replaces histidine with tyrosine at codon 639 of the ATP7B protein. Computational prediction suggests that this variant may have deleterious impact on protein structure and function. A functional study has shown the mutant protein to exhibit normal copper transport function (PMID: 24706876). This variant has been reported in an individual affected with Wilson disease (PMID: 16283883). This variant has been identified in 22/280984 chromosomes in the general population by the Genome Aggregation Database (gnomAD). The available evidence is insufficient to determine the role of this variant in disease conclusively. Therefore, this variant is classified as a Variant of Uncertain Significance.

PreventionGenetics, part of Exact Sciences
Classification: Uncertain significance for ATP7B-related condition. Last evaluated: 2025-06-05. Review status: criteria provided, single submitter. Criteria: ACMG Guidelines, 2015. Collection method: clinical testing. Allele origin: germline.
Comment: The ATP7B c.1915C>T variant is predicted to result in the amino acid substitution p.His639Tyr. This variant was reported in an individual diagnosed with Wilson disease (Gromadzka et al. 2005. PubMed ID: 16283883) and in an individual with bipolar disorder (Sriretnakumar et al. 2018. PubMed ID: 30556376). In experimental studies, the p.His639Tyr substitution did not affect copper transport or trafficking ability of the ATP7B protein (Braiterman et al. 2014. PubMed ID: 24706876). This variant is reported in 0.016% of alleles in individuals of European (Non-Finnish) descent in gnomAD. At this time, the clinical significance of this variant is uncertain due to the absence of conclusive functional and genetic evidence.

Blueprint Genetics
Classification: Uncertain significance. Last evaluated: 2024-11-18. Review status: criteria provided, single submitter. Criteria: ACMG Guidelines, 2015. Collection method: clinical testing. Allele origin: germline.

Lildballe Lab, Aarhus University Hospital
Classification: Uncertain significance for Wilson disease. Last evaluated: 2024-08-29. Review status: criteria provided, single submitter. Criteria: ACMG Guidelines, 2015. Collection method: clinical testing. Allele origin: germline. Affected: yes.
Comment: PP3, PP5, PM2

All of Us Research Program, National Institutes of Health
Classification: Uncertain significance for Wilson disease. Last evaluated: 2024-08-06. Review status: criteria provided, single submitter. Criteria: ACMG Guidelines, 2015. Collection method: clinical testing. Allele origin: germline. Inheritance: Autosomal recessive inheritance. Observed: 31 variant alleles, 31 heterozygotes.
Comment: This missense variant replaces histidine with tyrosine at codon 639 of the ATP7B protein. Computational prediction suggests that this variant may have deleterious impact on protein structure and function (internally defined REVEL score threshold >= 0.7, PMID: 27666373). Functional studies suggest that this variant may not impact copper transport (PMID: 24706876). This variant has been reported in an individual affected with Wilson disease (PMID: 16283883). This variant has been identified in 22/280984 chromosomes in the general population by the Genome Aggregation Database (gnomAD). The available evidence is insufficient to determine the role of this variant in disease conclusively. Therefore, this variant is classified as a Variant of Uncertain Significance.

This study involves interpretation of variants in research participants for the purpose of population health screening. Participant phenotype was not available at the time of variant classification. Additional details can be found in publication PMID: 35346344, PMCID: PMC8962531

Fulgent Genetics
Classification: Uncertain significance for Wilson disease. Last evaluated: 2024-05-06. Review status: criteria provided, single submitter. Criteria: ACMG Guidelines, 2015. Collection method: clinical testing. Allele origin: germline.

Baylor Genetics
Classification: Uncertain significance for Wilson disease. Last evaluated: 2023-11-15. Review status: criteria provided, single submitter. Criteria: ACMG Guidelines, 2015. Collection method: clinical testing. Allele origin: unknown.

Women's Health and Genetics/Laboratory Corporation of America, LabCorp
Classification: Uncertain significance. Last evaluated: 2022-10-02. Review status: criteria provided, single submitter. Criteria: LabCorp Variant Classification Summary - May 2015. Collection method: clinical testing. Allele origin: germline.
Comment: Variant summary: ATP7B c.1915C>T (p.His639Tyr) results in a conservative amino acid change in the encoded protein sequence. Three of five in-silico tools predict a damaging effect of the variant on protein function. The variant allele was found at a frequency of 5.6e-05 in 249584 control chromosomes. This frequency is not significantly higher than estimated for a pathogenic variant in ATP7B causing Wilson Disease (5.6e-05 vs 0.0054), allowing no conclusion about variant significance. c.1915C>T has been reported in the literature as a non-informative genotype (second allele not specified) in at-least one individual reportedly affected with Wilson Disease (example, Gromadzka_2005). These report(s) do not provide unequivocal conclusions about association of the variant with Wilson Disease. At least one publication reports experimental evidence evaluating an impact on protein function (Braiterman_2014). These results showed no damaging effect of this variant on trafficking by demonstrating normal copper transport activity. Four clinical diagnostic laboratories have submitted clinical-significance assessments for this variant to ClinVar after 2014 without evidence for independent evaluation. All laboratories classified the variant as uncertain significance. Based on the evidence outlined above, the variant was classified as uncertain significance.

Labcorp Genetics (formerly Invitae), Labcorp
Classification: Uncertain significance for Wilson disease. Last evaluated: 2022-09-19. Review status: criteria provided, single submitter. Criteria: Invitae Variant Classification Sherloc (09022015). Collection method: clinical testing. Allele origin: germline.
Comment: This sequence change replaces histidine, which is basic and polar, with tyrosine, which is neutral and polar, at codon 639 of the ATP7B protein (p.His639Tyr). This variant is present in population databases (rs200728096, gnomAD 0.02%). This missense change has been observed in individual(s) with Wilson disease or bipolar disorder (PMID: 16283883, 30556376). ClinVar contains an entry for this variant (Variation ID: 500690). Advanced modeling of protein sequence and biophysical properties (such as structural, functional, and spatial information, amino acid conservation, physicochemical variation, residue mobility, and thermodynamic stability) performed at Invitae indicates that this missense variant is not expected to disrupt ATP7B protein function. Experimental studies have shown that this missense change does not substantially affect ATP7B function (PMID: 24706876). In summary, the available evidence is currently insufficient to determine the role of this variant in disease. Therefore, it has been classified as a Variant of Uncertain Significance.

Genome-Nilou Lab
Classification: Uncertain significance for Wilson disease. Last evaluated: 2021-09-05. Review status: criteria provided, single submitter. Criteria: ACMG Guidelines, 2015. Collection method: clinical testing. Allele origin: germline. Affected: no.

Mayo Clinic Laboratories, Mayo Clinic
Classification: Uncertain significance. Last evaluated: 2020-10-26. Review status: criteria provided, single submitter. Criteria: ACMG Guidelines, 2015. Collection method: clinical testing. Allele origin: germline. Observed: 1 variant allele.

Eurofins Ntd Llc (ga)
Classification: Uncertain significance. Last evaluated: 2017-03-09. Review status: criteria provided, single submitter. Criteria: EGL Classification Definitions 2015. Collection method: clinical testing. Allele origin: germline. Observed: 1 variant allele, 1 heterozygote.

Counsyl
Classification: Uncertain significance for Wilson disease. Last evaluated: 2017-11-15. Review status: no assertion criteria provided. Collection method: clinical testing. Allele origin: unknown. Not counted in ClinVar's aggregate classification.

ClinVar Staff, National Center for Biotechnology Information (NCBI)
No classification provided. Condition: Wilson disease. Review status: no classification provided. Collection method: literature only. Allele origin: germline. Not counted in ClinVar's aggregate classification.

Literature cited by the submitters: PubMed 16283883 (cited by 5 submitters); PubMed 24706876 (cited by 5 submitters); PubMed 31449670 (cited by Women's Health and Genetics/Laboratory Corporation of America, LabCorp); PubMed 30556376 (cited by Labcorp Genetics (formerly Invitae), Labcorp); PubMed 39502306 (cited by ClinVar Staff, National Center for Biotechnology Information (NCBI)).

NM_000053.4(ATP7B):c.1915C>T (p.His639Tyr)

Gene: ATP7B (ATPase copper transporting beta; minus strand). Cytogenetic location: 13q14.3.
Variant type: single nucleotide variant.
Coding change: c.1915C>T on transcript NM_000053.4 (MANE Select); coding-DNA position 1915, C replaced by T.
Protein change: p.His639Tyr; replaces histidine 639 with tyrosine.
Molecular consequence: missense variant. On other transcripts: intron variant (2).
Genome position (GRCh38, 1-based): chr13:51,961,868, G>A on the plus strand (C>T on the coding strand, the complement: ATP7B is on the minus strand). VCF-style: chr13-51961868-G-A. GRCh37 (hg19) VCF-style: chr13-52536004-G-A.
Other names: p.H639Y; c.1582C>T, p.His528Tyr (NM_001243182.2); c.1915C>T, p.His639Tyr (NM_001330578.2); c.1869+3004C>T (NM_001005918.3, NM_001330579.2); short protein forms H639Y, H528Y.
Identifiers: ClinVar variation 500690 (VCV000500690.30), dbSNP rs200728096, ClinGen allele CA6989174.